The following is an entry in ClinVar:

ClinVar aggregate classification (germline): Uncertain significance. Review status: criteria provided, multiple submitters, no conflicts (2 of 4 stars). 4 submissions from 4 submitters: Uncertain significance (4). Last evaluated 2023-01-26.

Conditions:
COG7 congenital disorder of glycosylation (CDG2E). Also called: CDG IIe; CONGENITAL DISORDER OF GLYCOSYLATION, TYPE IIe. Identifiers: Orphanet 79333, MedGen C2931010, MONDO:0012118, OMIM 608779.
Inborn genetic diseases. Identifiers: MedGen C0950123, MeSH D030342.

Allele frequency attached by ClinVar (database versions not stated): gnomAD 0.00001; gnomAD exomes 0.00001; TOPMed 0.00001.
gnomAD v4.1: 25 of 1,613,624 alleles (0.0015%); highest among the groups gnomAD compares: East Asian, 0.0022%; no homozygotes.

Submissions (4):

GeneDx
Classification: Uncertain significance. Last evaluated: 2023-01-26. Review status: criteria provided, single submitter. Criteria: GeneDx Variant Classification Process June 2021. Collection method: clinical testing. Allele origin: germline. Affected: yes.
Comment: Not observed at significant frequency in large population cohorts (gnomAD); In silico analysis supports that this missense variant does not alter protein structure/function; Has not been previously published as pathogenic or benign to our knowledge

Ambry Genetics
Classification: Uncertain significance for Inborn genetic diseases. Last evaluated: 2022-12-19. Review status: criteria provided, single submitter. Criteria: Ambry Variant Classification Scheme 2023. Collection method: clinical testing. Allele origin: germline.

Labcorp Genetics (formerly Invitae), Labcorp
Classification: Uncertain significance for COG7 congenital disorder of glycosylation. Last evaluated: 2022-03-20. Review status: criteria provided, single submitter. Criteria: Invitae Variant Classification Sherloc (09022015). Collection method: clinical testing. Allele origin: germline.
Comment: This sequence change replaces alanine, which is neutral and non-polar, with threonine, which is neutral and polar, at codon 222 of the COG7 protein (p.Ala222Thr). This variant is present in population databases (no rsID available, gnomAD 0.005%). This variant has not been reported in the literature in individuals affected with COG7-related conditions. Algorithms developed to predict the effect of missense changes on protein structure and function output the following: SIFT: "Tolerated"; PolyPhen-2: "Benign"; Align-GVGD: "Class C0". The threonine amino acid residue is found in multiple mammalian species, which suggests that this missense change does not adversely affect protein function. In summary, the available evidence is currently insufficient to determine the role of this variant in disease. Therefore, it has been classified as a Variant of Uncertain Significance.

Blueprint Genetics
Classification: Uncertain significance. Last evaluated: 2020-10-19. Review status: criteria provided, single submitter. Criteria: ACMG Guidelines, 2015. Collection method: clinical testing. Allele origin: germline.

NM_153603.4(COG7):c.664G>A (p.Ala222Thr)

Gene: COG7 (component of oligomeric golgi complex 7; minus strand). Cytogenetic location: 16p12.2.
Variant type: single nucleotide variant.
Coding change: c.664G>A on transcript NM_153603.4 (MANE Select); coding-DNA position 664, G replaced by A.
Protein change: p.Ala222Thr; replaces alanine 222 with threonine.
Molecular consequence: missense variant.
Genome position (GRCh38, 1-based): chr16:23,434,659, C>T on the plus strand (G>A on the coding strand, the complement: COG7 is on the minus strand). VCF-style: chr16-23434659-C-T. GRCh37 (hg19) VCF-style: chr16-23445980-C-T.
Other names: c.664G>A (NM_153603.3); short protein forms A222T.
Identifiers: ClinVar variation 2184658 (VCV002184658.4), dbSNP rs1228086594, ClinGen allele CA395115552.